The following is an entry in ClinVar:

NM_014845.6(FIG4):c.2376+5G>C

Gene: FIG4 (FIG4 phosphoinositide 5-phosphatase; plus strand). Cytogenetic location: 6q21.
Variant type: single nucleotide variant.
Coding change: c.2376+5G>C on transcript NM_014845.6 (MANE Select); 5 bases into the intron after coding-DNA position 2376, G replaced by C.
Molecular consequence: intron variant.
Genome position (GRCh38, 1-based): chr6:109,791,576, G>C. VCF-style: chr6-109791576-G-C. GRCh37 (hg19) VCF-style: chr6-110112779-G-C.
Identifiers: ClinVar variation 543364 (VCV000543364.5), dbSNP rs528952794, ClinGen allele CA145139898.

ClinVar aggregate classification (germline): Uncertain significance. Review status: criteria provided, multiple submitters, no conflicts (2 of 4 stars). 3 submissions from 3 submitters: Uncertain significance (3). Last evaluated 2023-01-24.

Conditions:
FIG4-related disorder. Also called: FIG4-related condition; FIG4-related disorders.
Charcot-Marie-Tooth disease type 4. Also called: Charcot-Marie-Tooth disease, type IV; Charcot-Marie-Tooth, Type 4. Identifiers: Orphanet 64749, MedGen C4082197, MONDO:0018995.

Allele frequency attached by ClinVar (database versions not stated): TOPMed 0.00002.
gnomAD v4.1: 11 of 1,613,096 alleles (0.00068%); highest among the groups gnomAD compares: Non-Finnish European, 0.00093%; no homozygotes.

Submissions (3):

PreventionGenetics, part of Exact Sciences
Classification: Uncertain significance for FIG4-related condition. Last evaluated: 2023-01-24. Review status: criteria provided, single submitter. Criteria: ACMG Guidelines, 2015. Collection method: clinical testing. Allele origin: germline.
Comment: The FIG4 c.2376+5G>C variant is predicted to interfere with splicing. To our knowledge, this variant has not been reported in the literature or in a large population database, indicating this variant is rare. At this time, the clinical significance of this variant is uncertain due to the absence of conclusive functional and genetic evidence.

Labcorp Genetics (formerly Invitae), Labcorp
Classification: Uncertain significance for Charcot-Marie-Tooth disease type 4. Last evaluated: 2022-07-14. Review status: criteria provided, single submitter. Criteria: Invitae Variant Classification Sherloc (09022015). Collection method: clinical testing. Allele origin: germline.
Comment: This sequence change falls in intron 20 of the FIG4 gene. It does not directly change the encoded amino acid sequence of the FIG4 protein. It affects a nucleotide within the consensus splice site. This variant is not present in population databases (gnomAD no frequency). This variant has not been reported in the literature in individuals affected with FIG4-related conditions. ClinVar contains an entry for this variant (Variation ID: 543364). Variants that disrupt the consensus splice site are a relatively common cause of aberrant splicing (PMID: 17576681, 9536098). Algorithms developed to predict the effect of sequence changes on RNA splicing suggest that this variant may disrupt the consensus splice site. In summary, the available evidence is currently insufficient to determine the role of this variant in disease. Therefore, it has been classified as a Variant of Uncertain Significance.

Blueprint Genetics
Classification: Uncertain significance. Last evaluated: 2021-10-13. Review status: criteria provided, single submitter. Criteria: ACMG Guidelines, 2015. Collection method: clinical testing. Allele origin: germline.

Literature cited by the submitters: PubMed 17576681 (cited by Labcorp Genetics (formerly Invitae), Labcorp); PubMed 9536098 (cited by Labcorp Genetics (formerly Invitae), Labcorp).